The following is an entry in ClinVar:

NM_006031.6(PCNT):c.395_402del (p.Met132fs)

Gene: PCNT (pericentrin; plus strand). Cytogenetic location: 21q22.3.
Variant type: Deletion.
Coding change: c.395_402del on transcript NM_006031.6 (MANE Select); coding-DNA positions 395 to 402, 8 bases deleted (TGTTCACA; older notation c.395_402delTGTTCACA).
Protein change: p.Met132fs; shifts the reading frame from methionine 132.
Molecular consequence: frameshift variant.
Genome position (GRCh38, 1-based): chr21:46,334,524-46,334,531, TGTTCACA deleted; deleting any 8 consecutive bases within chr21:46,334,523-46,334,531 gives the same sequence; the c. name uses the placement nearest the transcript's 3' end. VCF-style (leftmost placement, unchanged base first): chr21-46334522-GATGTTCAC-G. GRCh37 (hg19) VCF-style: chr21-47754436-GATGTTCAC-G.
Other names: c.41_48del, p.Met14fs (NM_001315529.2); short protein forms M132fs, M14fs.
Identifiers: ClinVar variation 2706847 (VCV002706847.3), dbSNP rs2517954653, ClinGen allele CA2697547575.

ClinVar aggregate classification (germline): Pathogenic (1 of 4 stars; one submission).

Submission:

Labcorp Genetics (formerly Invitae), Labcorp
Classification: Pathogenic. Last evaluated: 2023-12-31. Review status: criteria provided, single submitter. Criteria: Invitae Variant Classification Sherloc (09022015). Collection method: clinical testing. Allele origin: germline.
Comment: This sequence change creates a premature translational stop signal (p.Met132Serfs*3) in the PCNT gene. It is expected to result in an absent or disrupted protein product. Loss-of-function variants in PCNT are known to be pathogenic (PMID: 18174396, 22821869). This variant is not present in population databases (gnomAD no frequency). This variant has not been reported in the literature in individuals affected with PCNT-related conditions. For these reasons, this variant has been classified as Pathogenic.

Literature cited by the submitters: PubMed 18174396; PubMed 22821869.